The following is an entry in ClinVar:

NM_001029883.3(PCARE):c.2056C>T (p.Gln686Ter)

Gene: PCARE (photoreceptor cilium actin regulator; minus strand). Cytogenetic location: 2p23.2.
Variant type: single nucleotide variant.
Coding change: c.2056C>T on transcript NM_001029883.3 (MANE Select); coding-DNA position 2056, C replaced by T.
Protein change: p.Gln686Ter; replaces glutamine 686 with a stop codon.
Molecular consequence: nonsense.
Genome position (GRCh38, 1-based): chr2:29,072,206, G>A on the plus strand (C>T on the coding strand, the complement: PCARE is on the minus strand). VCF-style: chr2-29072206-G-A. GRCh37 (hg19) VCF-style: chr2-29295072-G-A.
Other names: short protein forms Q686*.
Identifiers: ClinVar variation 1998508 (VCV001998508.5), dbSNP rs1667502644, ClinGen allele CA346478339.
Genomic context (GRCh38, chr2:29,072,206, plus strand): 5'-TGGCATTTGGAAGCTTCCCAGCTTTGCCTTGTTCGTCCTCAGGATGGGGATTGCATTTCT[G>A]CAAGATGCTCTTGTCCTGACTAGGCAAAATACTGAAGTTCTTGGTGAGGGATGCCTTGAG-3'

ClinVar aggregate classification (germline): Pathogenic/Likely pathogenic. Review status: criteria provided, multiple submitters, no conflicts (2 of 4 stars). 2 submissions from 2 submitters: Pathogenic (1); Likely pathogenic (1). Last evaluated 2022-05-25.

Conditions:
C2ORF71 & PCARE-related disorders.

Allele frequency attached by ClinVar (database versions not stated): gnomAD 0.00001.
gnomAD v4.1: 5 of 1,614,088 alleles (0.00031%); highest among the groups gnomAD compares: Non-Finnish European, 0.00042%; no homozygotes.

Submissions (2):

Labcorp Genetics (formerly Invitae), Labcorp
Classification: Pathogenic. Last evaluated: 2022-05-25. Review status: criteria provided, single submitter. Criteria: Invitae Variant Classification Sherloc (09022015). Collection method: clinical testing. Allele origin: germline.
Comment: For these reasons, this variant has been classified as Pathogenic. This variant has not been reported in the literature in individuals affected with PCARE-related conditions. This variant is not present in population databases (gnomAD no frequency). This sequence change creates a premature translational stop signal (p.Gln686*) in the PCARE gene. It is expected to result in an absent or disrupted protein product. Loss-of-function variants in PCARE are known to be pathogenic (PMID: 20398886, 24339724, 26496393).

Blueprint Genetics
Classification: Likely pathogenic for C2ORF71 & PCARE-related disorders. Last evaluated: 2021-11-03. Review status: criteria provided, single submitter. Criteria: ACMG Guidelines, 2015. Collection method: clinical testing. Allele origin: germline. Affected: yes. Observed: 3 variant alleles.

Literature cited by the submitters: PubMed 20398886 (cited by Labcorp Genetics (formerly Invitae), Labcorp); PubMed 24339724 (cited by Labcorp Genetics (formerly Invitae), Labcorp); PubMed 26496393 (cited by Labcorp Genetics (formerly Invitae), Labcorp).